The following is an entry in ClinVar:

ClinVar aggregate classification (germline): Uncertain significance (1 of 4 stars; one submission).

Conditions:
Duane-radial ray syndrome (DRRS). Also called: Duane-Radial Ray Syndrome/Okihiro Syndrome; Duane-Radial Ray Syndrome (DRRS) / Okihiro Syndrome; ACRORENOOCULAR SYNDROME; DR SYNDROME; DUANE ANOMALY WITH RADIAL RAY ABNORMALITIES AND DEAFNESS; Okihiro Syndrome. Identifiers: Orphanet 93293, Orphanet 959, MedGen C1623209, MONDO:0011812, OMIM 607323. Disease mechanism: gain of function.

Submission:

Labcorp Genetics (formerly Invitae), Labcorp
Classification: Uncertain significance for Duane-radial ray syndrome. Last evaluated: 2021-01-10. Review status: criteria provided, single submitter. Criteria: Invitae Variant Classification Sherloc (09022015). Collection method: clinical testing. Allele origin: germline.
Comment: In summary, the available evidence is currently insufficient to determine the role of this variant in disease. Therefore, it has been classified as a Variant of Uncertain Significance. Algorithms developed to predict the effect of missense changes on protein structure and function are either unavailable or do not agree on the potential impact of this missense change (SIFT: "Deleterious"; PolyPhen-2: "Benign"; Align-GVGD: "Class C0"). This variant has not been reported in the literature in individuals with SALL4-related conditions. This variant is not present in population databases (ExAC no frequency). This sequence change replaces methionine with arginine at codon 939 of the SALL4 protein (p.Met939Arg). The methionine residue is moderately conserved and there is a moderate physicochemical difference between methionine and arginine.

NM_020436.5(SALL4):c.2816T>G (p.Met939Arg)

Gene: SALL4 (spalt like transcription factor 4; minus strand). Cytogenetic location: 20q13.2.
Variant type: single nucleotide variant.
Coding change: c.2816T>G on transcript NM_020436.5 (MANE Select); coding-DNA position 2816, T replaced by G.
Protein change: p.Met939Arg; replaces methionine 939 with arginine.
Molecular consequence: missense variant.
Genome position (GRCh38, 1-based): chr20:51,784,611, A>C on the plus strand (T>G on the coding strand, the complement: SALL4 is on the minus strand). VCF-style: chr20-51784611-A-C. GRCh37 (hg19) VCF-style: chr20-50401150-A-C.
Other names: c.1505T>G, p.Met502Arg (NM_001318031.2); short protein forms M939R, M502R.
Identifiers: ClinVar variation 1462053 (VCV001462053.8), dbSNP rs770912668, ClinGen allele CA409006263.
Genomic context (GRCh38, chr20:51,784,611, plus strand): 5'-GCCAGGATTTCCTTGGGAAAGATTTCTGAGACTCTTTTTCCGTCCGTACCTAACAGAGCC[A>C]TGGTGTTCTCGATGGCCAACTTCCTTCCACGGCGGGCTGAGTTATTGTTCGCCCCGTGTG-3'
Protein context (NP_065169.1, residues 929-949): RGRKLAIENT[Met939Arg]ALLGTDGKRV